The following is an entry in ClinVar:

ClinVar aggregate classification (germline): Uncertain significance (1 of 4 stars; one submission).

Allele frequency attached by ClinVar (database versions not stated): TOPMed below 0.00001.

Submission:

Labcorp Genetics (formerly Invitae), Labcorp
Classification: Uncertain significance. Last evaluated: 2022-06-13. Review status: criteria provided, single submitter. Criteria: Invitae Variant Classification Sherloc (09022015). Collection method: clinical testing. Allele origin: germline.
Comment: This variant is not present in population databases (gnomAD no frequency). In summary, the available evidence is currently insufficient to determine the role of this variant in disease. Therefore, it has been classified as a Variant of Uncertain Significance. Advanced modeling of protein sequence and biophysical properties (such as structural, functional, and spatial information, amino acid conservation, physicochemical variation, residue mobility, and thermodynamic stability) performed at Invitae indicates that this missense variant is not expected to disrupt LRP2 protein function. This variant has not been reported in the literature in individuals affected with LRP2-related conditions. This sequence change replaces glutamic acid, which is acidic and polar, with glycine, which is neutral and non-polar, at codon 4076 of the LRP2 protein (p.Glu4076Gly).

NM_004525.3(LRP2):c.12227A>G (p.Glu4076Gly)

Gene: LRP2 (LDL receptor related protein 2; minus strand). Cytogenetic location: 2q31.1.
Variant type: single nucleotide variant.
Coding change: c.12227A>G on transcript NM_004525.3 (MANE Select); coding-DNA position 12227, A replaced by G.
Protein change: p.Glu4076Gly; replaces glutamic acid 4076 with glycine.
Molecular consequence: missense variant.
Genome position (GRCh38, 1-based): chr2:169,154,528, T>C on the plus strand (A>G on the coding strand, the complement: LRP2 is on the minus strand). VCF-style: chr2-169154528-T-C. GRCh37 (hg19) VCF-style: chr2-170011038-T-C.
Other names: short protein forms E4076G.
Identifiers: ClinVar variation 2005388 (VCV002005388.4), dbSNP rs1686262580, ClinGen allele CA349137312.
Genomic context (GRCh38, chr2:169,154,528, plus strand): 5'-ATGTCCTTGGGATCCCAATCATAATCAACAGCTTGGATATATTCCTCATCTTGAAGATAC[T>C]CTGAGAACCTCTCAGATGAGAGATTATATTTTCGAATTCGGACATTGTCAGGCAGTAGCA-3'
Protein context (NP_004516.2, residues 4066-4086): KYNLSSERFS[Glu4076Gly]YLQDEEYIQA